The following is an entry in ClinVar:

NM_003476.5(CSRP3):c.148G>A (p.Ala50Thr)

Gene: CSRP3 (cysteine and glycine rich protein 3; minus strand). Cytogenetic location: 11p15.1.
Variant type: single nucleotide variant.
Coding change: c.148G>A on transcript NM_003476.5 (MANE Select); coding-DNA position 148, G replaced by A.
Protein change: p.Ala50Thr; replaces alanine 50 with threonine.
Molecular consequence: missense variant. On other transcripts: intron variant (1).
Genome position (GRCh38, 1-based): chr11:19,188,269, C>T on the plus strand (G>A on the coding strand, the complement: CSRP3 is on the minus strand). VCF-style: chr11-19188269-C-T. GRCh37 (hg19) VCF-style: chr11-19209816-C-T.
Other names: c.113-1921G>A (NM_001369404.1); short protein forms A50T.
Identifiers: ClinVar variation 44687 (VCV000044687.16), dbSNP rs145300736, ClinGen allele CA134872.

ClinVar aggregate classification (germline): Uncertain significance. Review status: criteria provided, multiple submitters, no conflicts (2 of 4 stars). 7 submissions from 7 submitters: Uncertain significance (7). Last evaluated 2026-05-27.

Conditions:
CSRP3-related disorder. Also called: CSRP3-related disorders; CSRP3-related condition.
Cardiovascular phenotype. Identifiers: MedGen CN230736.
Hypertrophic cardiomyopathy 12. Identifiers: MedGen C2677491, MONDO:0012804, OMIM 612124.
Dilated cardiomyopathy 1M (CMD1M). Identifiers: Orphanet 154, MedGen C1843808, MONDO:0011840, OMIM 607482.

Allele frequency attached by ClinVar (database versions not stated): gnomAD exomes 0.00004; gnomAD 0.00005 and 0.00006; TOPMed 0.00006; ESP Exome Variant Server 0.00023; ExAC 0.00004.
gnomAD v4.1: 72 of 1,612,654 alleles (0.0045%); highest among the groups gnomAD compares: East Asian, 0.0089%; no homozygotes.

Submissions (7):

PreventionGenetics, part of Exact Sciences
Classification: Uncertain significance for CSRP3-related condition. Last evaluated: 2026-05-27. Review status: criteria provided, single submitter. Criteria: ACMG Guidelines, 2015. Collection method: clinical testing. Allele origin: germline.
Comment: The CSRP3 c.148G>A variant is predicted to result in the amino acid substitution p.Ala50Thr. This variant has been reported in individuals with dilated cardiomyopathy (Zimmerman et al. 2010. PubMed ID: 20474083; Table S1B, Walsh et al. 2016. PubMed ID: 27532257) and also documented in the general population (Andreasen et al. 2013. PubMed ID: 23299917). This variant is reported in 0.010% of alleles in individuals of East Asian descent in gnomAD and is interpreted as a variant of uncertain significance in ClinVar (Variation ID: 44687). At this time, the clinical significance of this variant is uncertain due to the absence of conclusive functional and genetic evidence.

Labcorp Genetics (formerly Invitae), Labcorp
Classification: Uncertain significance for Hypertrophic cardiomyopathy 12; Dilated cardiomyopathy 1M. Last evaluated: 2026-01-21. Review status: criteria provided, single submitter. Criteria: Invitae Variant Classification Sherloc (09022015). Collection method: clinical testing. Allele origin: germline.
Comment: This sequence change replaces alanine, which is neutral and non-polar, with threonine, which is neutral and polar, at codon 50 of the CSRP3 protein (p.Ala50Thr). This variant is present in population databases (rs145300736, gnomAD 0.01%). This missense change has been observed in individual(s) with dilated cardiomyopathy (PMID: 20474083, 27532257). ClinVar contains an entry for this variant (Variation ID: 44687). An algorithm developed to predict the effect of missense changes on protein structure and function (PolyPhen-2) suggests that this variant is likely to be tolerated. In summary, the available evidence is currently insufficient to determine the role of this variant in disease. Therefore, it has been classified as a Variant of Uncertain Significance.

Mayo Clinic Laboratories, Mayo Clinic
Classification: Uncertain significance. Last evaluated: 2022-03-08. Review status: criteria provided, single submitter. Criteria: ACMG Guidelines, 2015. Collection method: clinical testing. Allele origin: germline. Observed: 1 variant allele.

Fulgent Genetics
Classification: Uncertain significance for Dilated cardiomyopathy 1M; Hypertrophic cardiomyopathy 12. Last evaluated: 2021-08-31. Review status: criteria provided, single submitter. Criteria: ACMG Guidelines, 2015. Collection method: clinical testing. Allele origin: unknown.

Ambry Genetics
Classification: Uncertain significance for Cardiovascular phenotype. Last evaluated: 2021-06-03. Review status: criteria provided, single submitter. Criteria: Ambry Variant Classification Scheme 2023. Collection method: clinical testing. Allele origin: germline.

Laboratory for Molecular Medicine, Mass General Brigham Personalized Medicine
Classification: Uncertain significance. Last evaluated: 2011-08-23. Review status: criteria provided, single submitter. Criteria: LMM Criteria. Collection method: clinical testing. Allele origin: germline. Observed: 1 variant allele.
Comment: Variant classified as Uncertain Significance - Favor Benign. The Ala50Thr varian t has not been identified in 1 individual with DCM out of >350 Caucasian individ uals tested and was absent from 344 Caucasian and 376 Black control chromosomes tested by our laboratory (Zimmerman 2010). Alanine (Ala) at position 50 is highl y conserved across evolutionarily distant species, suggesting that a change may negatively impact the protein's function, though fruitfly carries a threonine (t he same amino acid as this variant) and C. elegans carries a cystine. In summary, additional data is needed to clarify the clinical s ignificance of this variant.

Breakthrough Genomics
Classification: Uncertain significance. Review status: criteria provided, single submitter. Criteria: ACMG Guidelines, 2015. Collection method: not provided. Allele origin: germline. Inheritance: Autosomal dominant inheritance. Affected: yes.

Literature cited by the submitters: PubMed 20474083 (cited by 3 submitters); PubMed 27532257 (cited by Labcorp Genetics (formerly Invitae), Labcorp and Mayo Clinic Laboratories, Mayo Clinic).